The following is an entry in ClinVar:

NM_000070.3(CAPN3):c.2290del (p.Asp764fs)

Gene: CAPN3 (calpain 3; plus strand). Cytogenetic location: 15q15.1.
Variant type: Deletion.
Coding change: c.2290del on transcript NM_000070.3 (MANE Select); coding-DNA position 2290, one base deleted (G; older notation c.2290delG).
Protein change: p.Asp764fs; shifts the reading frame from aspartic acid 764.
Molecular consequence: frameshift variant.
Genome position (GRCh38, 1-based): chr15:42,410,910, G deleted. VCF-style (leftmost placement, unchanged base first): chr15-42410909-TG-T. GRCh37 (hg19) VCF-style: chr15-42703107-TG-T.
Other names: NM_000070.3(CAPN3):c.2290del; p.Asp764fs; c.2272del, p.Asp758fs (NM_024344.2); c.2014del, p.Asp672fs (NM_173087.2); c.754del, p.Asp252fs (NM_173088.2); c.295del, p.Asp99fs (NM_173089.2, NM_173090.2); c.2290delG (NM_000070.2); short protein forms D672fs, D764fs, D99fs, D252fs, D758fs.
Identifiers: ClinVar variation 497201 (VCV000497201.19), dbSNP rs886044527, ClinGen allele CA10606870.
Genomic context (GRCh38, chr15:42,410,909, plus strand): 5'-CTCCACGTCCACCTCTAACATGGTCCCCTCCACAGGATTCCACCTCAACAACCAGCTCTA[TG>T]ACATCATTACCATGCGGTACGCAGACAAACACATGAACATCGACTTTGACAGTTTCATCT-3'

ClinVar aggregate classification (germline): Pathogenic. Review status: reviewed by expert panel (3 of 4 stars). 6 submissions from 6 submitters: Pathogenic (1). 5 of the submissions do not count toward it. Last evaluated 2025-05-03.

Conditions:
Autosomal recessive limb-girdle muscular dystrophy. Identifiers: Orphanet 102015, MedGen C2931907, MONDO:0015152.
Autosomal recessive limb-girdle muscular dystrophy type 2A (LGMDR1). Also called: LEYDEN-MOEBIUS MUSCULAR DYSTROPHY; MUSCULAR DYSTROPHY, PELVOFEMORAL; Limb-girdle muscular dystrophy, type 2A; Calpainopathy; Muscular dystrophy, limb-girdle, type 2A, Amish. Identifiers: Orphanet 267, MedGen C1869123, MONDO:0009675, OMIM 253600. Disease mechanism: loss of function.

Allele frequency attached by ClinVar (database versions not stated): gnomAD exomes below 0.00001 and 0.00001.

Submissions (6):

ClinGen Limb Girdle Muscular Dystrophy Variant Curation Expert Panel, ClinGen
Classification: Pathogenic for Autosomal recessive limb-girdle muscular dystrophy. Last evaluated: 2025-05-03. Review status: reviewed by expert panel. Criteria: ClinGen LGMD VCEP ACMG Specifications CAPN3 V1.0.0. Collection method: curation. Allele origin: germline. Inheritance: Autosomal recessive inheritance.
Comment: The NM_000070.3: c.2290del p.(Asp764ThrfsTer12) variant in CAPN3 is a frameshift variant predicted to cause a premature stop codon in biologically relevant exon 22/24, leading to nonsense mediated decay in a gene in which loss of function is an established disease mechanism (PVS1). This variant has been reported in at least three patients with features consistent with LGMD, including in a homozygous state in one patient without reported familial consanguinity (0.5 pts, PMID: 31671740, LOVD Individual #00416186) and confirmed in trans with a pathogenic variant in two patients (c.2362_2363delinsTCATCT p.(Arg788SerfsTer14), 1.0 pt x2, LOVD Individual #00214755; ClinVar SCV002227607.3 personal data communication) (PM3_Strong). At least one patient with this variant and a second presumed diagnostic variant in CAPN3 had a clinical diagnosis of LGMD (LOVD Individual #00214755; PP4). The highest minor allele frequency of this variant is 0.00004472 (2/44722 exome chromosomes) for the Admixed American population in gnomAD v4.1.0, which is lower than the LGMD VCEP threshold (<0.0001) for PM2_Supporting, meeting this criterion (PM2_Supporting). In summary, this variant meets the criteria to be classified as Pathogenic for autosomal recessive limb girdle muscular dystrophy based on the ACMG/AMP criteria applied, as specified by the ClinGen LGMD VCEP (LGMD VCEP specifications version 1.0.0; 05/03/2025): PVS1, PM3_Strong, PP4, PM2_Supporting.

3billion
Classification: Pathogenic for Autosomal recessive limb-girdle muscular dystrophy type 2A. Last evaluated: 2025-01-18. Review status: criteria provided, single submitter. Criteria: ACMG Guidelines, 2015. Collection method: clinical testing. Allele origin: germline. Affected: yes. Not counted in ClinVar's aggregate classification.
Comment: The variant is observed at an extremely low frequency in the gnomAD v4.1.0 dataset (total allele frequency: <0.001%). Predicted Consequence/Location: Frameshift: predicted to result in a loss or disruption of normal protein function through nonsense-mediated decay (NMD) or protein truncation. Multiple pathogenic variants are reported downstream of the variant. The variant has been reported at least twice as pathogenic with clinical assertions and evidence for the classification (ClinVar ID: VCV000497201 /PMID: 31671740). Therefore, this variant is classified as Pathogenic according to the recommendation of ACMG/AMP guideline.

Labcorp Genetics (formerly Invitae), Labcorp
Classification: Pathogenic for Autosomal recessive limb-girdle muscular dystrophy type 2A. Last evaluated: 2023-05-12. Review status: criteria provided, single submitter. Criteria: Invitae Variant Classification Sherloc (09022015). Collection method: clinical testing. Allele origin: germline. Not counted in ClinVar's aggregate classification.
Comment: ClinVar contains an entry for this variant (Variation ID: 497201). This sequence change creates a premature translational stop signal (p.Asp764Thrfs*12) in the CAPN3 gene. It is expected to result in an absent or disrupted protein product. Loss-of-function variants in CAPN3 are known to be pathogenic (PMID: 10330340, 15689361). This variant is present in population databases (no rsID available, gnomAD 0.006%). This premature translational stop signal has been observed in individual(s) with clinical features of autosomal recessive CAPN3-related conditions (PMID: 31671740). For these reasons, this variant has been classified as Pathogenic.

Revvity Omics, Revvity
Classification: Pathogenic. Last evaluated: 2019-07-13. Review status: criteria provided, single submitter. Criteria: ACMG Guidelines, 2015. Collection method: clinical testing. Allele origin: germline. Not counted in ClinVar's aggregate classification.

Eurofins Ntd Llc (ga)
Classification: Pathogenic. Last evaluated: 2018-01-12. Review status: criteria provided, single submitter. Criteria: EGL Classification Definitions 2015. Collection method: clinical testing. Allele origin: germline. Observed: 2 variant alleles, 2 heterozygotes. Not counted in ClinVar's aggregate classification.

Counsyl
Classification: Likely pathogenic for Autosomal recessive limb-girdle muscular dystrophy type 2A. Last evaluated: 2018-05-15. Review status: no assertion criteria provided. Collection method: clinical testing. Allele origin: unknown. Not counted in ClinVar's aggregate classification.

Literature cited by the submitters: PubMed 31671740 (cited by 3billion and Labcorp Genetics (formerly Invitae), Labcorp); PubMed 10330340 (cited by Labcorp Genetics (formerly Invitae), Labcorp); PubMed 15689361 (cited by Labcorp Genetics (formerly Invitae), Labcorp).